The following is an entry in ClinVar:

NM_000384.3(APOB):c.11597C>G (p.Ser3866Cys)

Gene: APOB (apolipoprotein B; minus strand). Cytogenetic location: 2p24.1.
Variant type: single nucleotide variant.
Coding change: c.11597C>G on transcript NM_000384.3 (MANE Select); coding-DNA position 11597, C replaced by G.
Protein change: p.Ser3866Cys; replaces serine 3866 with cysteine.
Molecular consequence: missense variant.
Genome position (GRCh38, 1-based): chr2:21,005,271, G>C on the plus strand (C>G on the coding strand, the complement: APOB is on the minus strand). VCF-style: chr2-21005271-G-C. GRCh37 (hg19) VCF-style: chr2-21228143-G-C.
Other names: short protein forms S3866C.
Identifiers: ClinVar variation 918455 (VCV000918455.10), dbSNP rs748109934, ClinGen allele CA046983.

ClinVar aggregate classification (germline): Conflicting classifications of pathogenicity. Review status: criteria provided, conflicting classifications (1 of 4 stars). 3 submissions from 3 submitters: Uncertain significance (1); Likely benign (2). Last evaluated 2025-12-19.

Conditions:
Cardiovascular phenotype. Identifiers: MedGen CN230736.
Familial hypobetalipoproteinemia 1. Also called: Hypobetalipoproteinemia, normotriglyceridemic; Acanthocytosis with hypobetalipoproteinemia; APOB-Related Familial Hypobetalipoproteinemia. Identifiers: MedGen C4551990, MONDO:0014252, OMIM 615558.
Hypercholesterolemia, autosomal dominant, type B (FHCL2). Also called: Familial Hypercholesterolemia Type B; HYPERCHOLESTEROLEMIA, FAMILIAL, DUE TO LIGAND-DEFECTIVE APOLIPOPROTEIN B; Familial hypercholesterolemia 2; APOB-Related Familial Hypercholesterolemia, Autosomal Dominant; APOLIPOPROTEIN B-100, FAMILIAL DEFECTIVE; APOLIPOPROTEIN B-100, FAMILIAL LIGAND-DEFECTIVE. Identifiers: MedGen C1704417, MONDO:0007751, OMIM 144010.

Allele frequency attached by ClinVar (database versions not stated): gnomAD 0.00001; ExAC 0.00004; gnomAD exomes 0.00004 and 0.00008; TOPMed 0.00005.
gnomAD v4.1: 24 of 1,613,926 alleles (0.0015%); highest among the groups gnomAD compares: Admixed American, 0.038%; no homozygotes.

Submissions (3):

Labcorp Genetics (formerly Invitae), Labcorp
Classification: Likely benign for Familial hypobetalipoproteinemia 1; Hypercholesterolemia, autosomal dominant, type B. Last evaluated: 2025-12-19. Review status: criteria provided, single submitter. Criteria: Invitae Variant Classification Sherloc (09022015). Collection method: clinical testing. Allele origin: germline.

Ambry Genetics
Classification: Likely benign for Cardiovascular phenotype. Last evaluated: 2024-06-02. Review status: criteria provided, single submitter. Criteria: Ambry Variant Classification Scheme 2023. Collection method: clinical testing. Allele origin: germline.

Quest Diagnostics Nichols Institute San Juan Capistrano
Classification: Uncertain significance. Last evaluated: 2023-12-13. Review status: criteria provided, single submitter. Criteria: Quest Diagnostics criteria. Collection method: clinical testing. Allele origin: unknown.
Comment: The APOB c.11597C>G (p.Ser3866Cys) variant has not been reported in individuals with APOB-related conditions in the published literature. The frequency of this variant in the general population, 0.00052 (18/34544 chromosomes (Genome Aggregation Database)), is uninformative in the assessment of its pathogenicity. Analysis of this variant using bioinformatics tools for the prediction of the effect of amino acid changes on protein structure and function yielded conflicting predictions that this variant is benign or damaging. Based on the available information, we are unable to determine the clinical significance of this variant.